The following is an entry in ClinVar:

ClinVar aggregate classification (germline): Benign/Likely benign. Review status: criteria provided, multiple submitters, no conflicts (2 of 4 stars). 5 submissions from 5 submitters: Benign (2); Likely benign (2). 1 of the submissions does not count toward it. Last evaluated 2026-06-01.

Conditions:
ANK3-related disorder. Also called: ANK3-related condition.

Allele frequency attached by ClinVar (database versions not stated): ESP Exome Variant Server 0.00008; gnomAD 0.00059 and 0.00113; gnomAD exomes 0.00089 and 0.00264; TOPMed 0.00105; ExAC 0.00284; 1000 Genomes Project 30x 0.00718; 1000 Genomes Project 0.00759.
gnomAD v4.1: 1,555 of 1,613,066 alleles (0.096%); highest among the groups gnomAD compares: East Asian, 0.96%; 22 homozygotes.

Submissions (6):

CeGaT Center for Human Genetics Tuebingen
Classification: Likely benign. Last evaluated: 2026-06-01. Review status: criteria provided, single submitter. Criteria: CeGaT Center For Human Genetics Tuebingen Variant Classification Criteria Version 2. Collection method: clinical testing. Allele origin: germline. Affected: yes. Observed: 2 variant alleles.
Comment: ANK3: BP4, BS2

Labcorp Genetics (formerly Invitae), Labcorp
Classification: Benign. Last evaluated: 2025-11-21. Review status: criteria provided, single submitter. Criteria: Invitae Variant Classification Sherloc (09022015). Collection method: clinical testing. Allele origin: germline.

Genomic Medicine Center of Excellence, King Faisal Specialist Hospital and Research Centre
Classification: Likely benign. Last evaluated: 2025-08-18. Review status: criteria provided, single submitter. Criteria: ACMG Guidelines, 2015. Collection method: clinical testing. Allele origin: germline.

Breakthrough Genomics
Classification: Benign. Review status: criteria provided, single submitter. Criteria: ACMG Guidelines, 2015. Collection method: not provided. Allele origin: germline. Inheritance: Autosomal recessive inheritance. Affected: yes.

PreventionGenetics, part of Exact Sciences
Classification: Benign for ANK3-related condition. Last evaluated: 2021-03-01. Review status: no assertion criteria provided. Collection method: clinical testing. Allele origin: germline. Not counted in ClinVar's aggregate classification.
Comment: This variant is classified as benign based on ACMG/AMP sequence variant interpretation guidelines (Richards et al. 2015 PMID: 25741868, with internal and published modifications).

Dr. Peter K. Rogan Lab, Western University
No classification provided (evidence only). Condition: Gastric cancer. Review status: no classification provided. Collection method: in vitro. Allele origin: not applicable. Functional consequence: retained intron. Not counted in ClinVar's aggregate classification.

NM_020987.5(ANK3):c.514-3C>T

Gene: ANK3 (ankyrin 3; minus strand). Cytogenetic location: 10q21.2.
Variant type: single nucleotide variant.
Coding change: c.514-3C>T on transcript NM_020987.5 (MANE Select); 3 bases into the intron before coding-DNA position 514, C replaced by T.
Molecular consequence: intron variant.
Genome position (GRCh38, 1-based): chr10:60,264,023, G>A on the plus strand (C>T on the coding strand, the complement: ANK3 is on the minus strand). VCF-style: chr10-60264023-G-A. GRCh37 (hg19) VCF-style: chr10-62023781-G-A.
Other names: c.496-3C>T (NM_001204403.2); c.463-3C>T (NM_001204404.2); c.514-3C>T (NM_001320874.2).
Identifiers: ClinVar variation 782865 (VCV000782865.24), dbSNP rs144841334, ClinGen allele CA5513387.